The following is an entry in ClinVar:

ClinVar aggregate classification (germline): Benign/Likely benign. Review status: criteria provided, multiple submitters, no conflicts (2 of 4 stars). 5 submissions from 5 submitters: Benign (1); Likely benign (4). Last evaluated 2025-11-25.

Conditions:
Epilepsy, familial focal, with variable foci 3 (FFEVF3). Identifiers: MedGen C4310708, MONDO:0014925, OMIM 617118.

Allele frequency attached by ClinVar (database versions not stated): ESP Exome Variant Server 0.00008; gnomAD 0.00014 and 0.00016; ExAC 0.00015; gnomAD exomes 0.00017 and 0.00019; TOPMed 0.00019.

Submissions (5):

Labcorp Genetics (formerly Invitae), Labcorp
Classification: Likely benign for Epilepsy, familial focal, with variable foci 3. Last evaluated: 2025-11-25. Review status: criteria provided, single submitter. Criteria: Invitae Variant Classification Sherloc (09022015). Collection method: clinical testing. Allele origin: germline.

Blueprint Genetics
Classification: Likely benign. Last evaluated: 2024-11-22. Review status: criteria provided, single submitter. Criteria: ACMG Guidelines, 2015. Collection method: clinical testing. Allele origin: germline.

CeGaT Center for Human Genetics Tuebingen
Classification: Likely benign. Last evaluated: 2023-06-01. Review status: criteria provided, single submitter. Criteria: CeGaT Center For Human Genetics Tuebingen Variant Classification Criteria Version 2. Collection method: clinical testing. Allele origin: germline. Affected: yes. Observed: 2 variant alleles.
Comment: NPRL3: BP4, BS2

GeneDx
Classification: Benign. Last evaluated: 2018-11-21. Review status: criteria provided, single submitter. Criteria: GeneDx Variant Classification Process June 2021. Collection method: clinical testing. Allele origin: germline. Affected: yes.

Breakthrough Genomics
Classification: Likely benign. Review status: criteria provided, single submitter. Criteria: ACMG Guidelines, 2015. Collection method: not provided. Allele origin: germline. Inheritance: Autosomal dominant inheritance. Affected: yes.

NM_001077350.3(NPRL3):c.1356C>T (p.Ser452=)

Genes: HBA-LCR (alpha-globin locus control region; plus strand), NPRL3 (NPR3 like, GATOR1 complex subunit; minus strand). Cytogenetic location: 16p13.3.
Variant type: single nucleotide variant.
Coding change: c.1356C>T on transcript NM_001077350.3 (MANE Select); coding-DNA position 1356, C replaced by T.
Protein change: p.Ser452=; no amino-acid change (serine 452 retained).
Molecular consequence: synonymous variant.
Genome position (GRCh38, 1-based): chr16:88,886, G>A on the plus strand (C>T on the coding strand, the complement: NPRL3 is on the minus strand). VCF-style: chr16-88886-G-A. GRCh37 (hg19) VCF-style: chr16-138884-G-A.
Other names: c.819C>T, p.Ser273= (NM_001039476.3); c.1122C>T, p.Ser374= (NM_001243247.2); c.1281C>T, p.Ser427= (NM_001243248.2, NM_001243249.2).
Identifiers: ClinVar variation 542808 (VCV000542808.38), dbSNP rs373792025, ClinGen allele CA7769342.